The following is an entry in ClinVar:

ClinVar aggregate classification (germline): Pathogenic. Review status: criteria provided, multiple submitters, no conflicts (2 of 4 stars). 2 submissions from 2 submitters: Pathogenic (2). Last evaluated 2020-12-04.

Conditions:
Duchenne muscular dystrophy (DMD). Also called: MUSCULAR DYSTROPHY, PSEUDOHYPERTROPHIC PROGRESSIVE, DUCHENNE TYPE; Duchenne Muscular Dystrophy (DMD). Identifiers: Orphanet 98896, MedGen C0013264, MONDO:0010679, OMIM 310200.

Submissions (2):

Labcorp Genetics (formerly Invitae), Labcorp
Classification: Pathogenic for Duchenne muscular dystrophy. Last evaluated: 2020-12-04. Review status: criteria provided, single submitter. Criteria: Invitae Variant Classification Sherloc (09022015). Collection method: clinical testing. Allele origin: germline.
Comment: For these reasons, this variant has been classified as Pathogenic. This variant has been observed in individual(s) with Duchenne muscular dystrophy (PMID: 19937601). This variant is not present in population databases (ExAC no frequency). This sequence change creates a premature translational stop signal (p.Gln2359*) in the DMD gene. It is expected to result in an absent or disrupted protein product. Loss-of-function variants in DMD are known to be pathogenic (PMID: 16770791, 25007885).

GeneDx
Classification: Pathogenic. Last evaluated: 2019-04-01. Review status: criteria provided, single submitter. Criteria: GeneDx Variant Classification Process June 2021. Collection method: clinical testing. Allele origin: germline. Affected: yes.
Comment: Based on the understanding of this genetic alteration, it may be amenable to nonsense read-through therapy that is currently available or in clinical trial; This variant is associated with the following publications: (PMID: 25525159, 19937601)

Literature cited by the submitters: PubMed 19937601 (cited by Labcorp Genetics (formerly Invitae), Labcorp); PubMed 16770791 (cited by Labcorp Genetics (formerly Invitae), Labcorp); PubMed 25007885 (cited by Labcorp Genetics (formerly Invitae), Labcorp).

NM_004006.3(DMD):c.7075C>T (p.Gln2359Ter)

Gene: DMD (dystrophin; minus strand). Cytogenetic location: Xp21.1.
Variant type: single nucleotide variant.
Coding change: c.7075C>T on transcript NM_004006.3 (MANE Select); coding-DNA position 7075, C replaced by T.
Protein change: p.Gln2359Ter; replaces glutamine 2359 with a stop codon.
Molecular consequence: nonsense. On other transcripts: 5 prime UTR variant (5).
Genome position (GRCh38, 1-based): chrX:31,875,211, G>A on the plus strand (C>T on the coding strand, the complement: DMD is on the minus strand). VCF-style: chrX-31875211-G-A. GRCh37 (hg19) VCF-style: chrX-31893328-G-A.
Other names: c.7051C>T, p.Gln2351Ter (NM_000109.4); c.7063C>T, p.Gln2355Ter (NM_004009.3); c.6706C>T, p.Gln2236Ter (NM_004010.3); c.3052C>T, p.Gln1018Ter (NM_004011.4); c.3043C>T, p.Gln1015Ter (NM_004012.4); c.-306C>T (NM_004013.3, NM_004020.4, NM_004021.3 and 2 more transcripts); short protein forms Q1015*, Q1018*, Q2236*, Q2351*, Q2355*, Q2359*.
Identifiers: ClinVar variation 1322400 (VCV001322400.10), dbSNP rs2149679784, ClinGen allele CA412659905.
Genomic context (GRCh38, chrX:31,875,211, plus strand): 5'-AAAAAGACAAAAATATTTAAAGCAAAAAGTTCCCTACCTTAACGTCAAATGGTCCTTCTT[G>A]GTTTGGTTGGTTATAAATTTCCAACTGATTCCTAATAGGAGATAACCACAGCAGCAGATG-3'